The following is an entry in ClinVar:

NM_130384.3(ATRIP):c.1137G>T (p.Gln379His)

Genes: ATRIP (ATR interacting protein; plus strand), ATRIP-TREX1 (ATRIP-TREX1 readthrough; plus strand). Cytogenetic location: 3p21.31.
Variant type: single nucleotide variant.
Coding change: c.1137G>T on transcript NM_130384.3 (MANE Select); coding-DNA position 1137, G replaced by T.
Protein change: p.Gln379His; replaces glutamine 379 with histidine.
Molecular consequence: missense variant. On other transcripts: non-coding transcript variant (1).
Genome position (GRCh38, 1-based): chr3:48,460,191, G>T. VCF-style: chr3-48460191-G-T. GRCh37 (hg19) VCF-style: chr3-48501590-G-T.
Other names: c.756G>T, p.Gln252His (NM_001271022.2); c.858G>T, p.Gln286His (NM_001271023.2); c.1137G>T, p.Gln379His (NM_032166.4); short protein forms Q286H, Q379H, Q252H.
Identifiers: ClinVar variation 3809204 (VCV003809204.1).

ClinVar aggregate classification (germline): Uncertain significance (1 of 4 stars; one submission).

Submission:

Ambry Genetics
Classification: Uncertain significance. Last evaluated: 2024-12-20. Review status: criteria provided, single submitter. Criteria: Ambry Variant Classification Scheme 2023. Collection method: clinical testing. Allele origin: germline.
Comment: The p.Q379H variant (also known as c.1137G>T), located in coding exon 8 of the ATRIP gene, results from a G to T substitution at nucleotide position 1137. The glutamine at codon 379 is replaced by histidine, an amino acid with highly similar properties. This amino acid position is conserved. In addition, the in silico prediction for this alteration is inconclusive. Based on the available evidence, the clinical significance of this variant remains unclear.